The following is an entry in ClinVar:

NM_002778.4(PSAP):c.1431G>A (p.Leu477=)

Gene: PSAP (prosaposin; minus strand). Cytogenetic location: 10q22.1.
Variant type: single nucleotide variant.
Coding change: c.1431G>A on transcript NM_002778.4 (MANE Select); coding-DNA position 1431, G replaced by A.
Protein change: p.Leu477=; no amino-acid change (leucine 477 retained).
Molecular consequence: synonymous variant.
Genome position (GRCh38, 1-based): chr10:71,819,031, C>T on the plus strand (G>A on the coding strand, the complement: PSAP is on the minus strand). VCF-style: chr10-71819031-C-T. GRCh37 (hg19) VCF-style: chr10-73578788-C-T.
Other names: c.1440G>A, p.Leu480= (NM_001042465.3); c.1437G>A, p.Leu479= (NM_001042466.3).
Identifiers: ClinVar variation 1210322 (VCV001210322.2), dbSNP rs1409969130, ClinGen allele CA470059832.

ClinVar aggregate classification (germline): Likely pathogenic. Review status: criteria provided, single submitter (1 of 4 stars). 2 submissions from 2 submitters: Likely pathogenic (1). 1 of the submissions does not count toward it. Last evaluated 2025-10-24.

Conditions:
Metachromatic leukodystrophy (MLD). Also called: CEREBROSIDE SULFATASE DEFICIENCY; Arylsulfatase A Deficiency; METACHROMATIC LEUKOENCEPHALOPATHY; Cerebral sclerosis diffuse metachromatic form; SULFATIDE LIPIDOSIS; ARSA DEFICIENCY. Identifiers: Orphanet 512, MedGen C0023522, MONDO:0018868, OMIM 250100.
Parkinson disease 24, autosomal dominant, susceptibility to. Identifiers: MedGen C5561969, MONDO:0859183, OMIM 619491.

Allele frequency attached by ClinVar (database versions not stated): gnomAD exomes below 0.00001.
gnomAD v4.1: 2 of 1,613,866 alleles (0.00012%); highest among the groups gnomAD compares: East Asian, 0.0022%; no homozygotes.

Submissions (2):

Women's Health and Genetics/Laboratory Corporation of America, LabCorp
Classification: Likely pathogenic for Metachromatic leukodystrophy. Last evaluated: 2025-10-24. Review status: criteria provided, single submitter. Criteria: LabCorp Variant Classification Summary - May 2015. Collection method: clinical testing. Allele origin: germline.
Comment: Variant summary: PSAP c.1431G>A (p.Leu477Leu) alters a nucleotide located close to a canonical splice site and therefore could affect mRNA splicing, leading to a significantly altered protein sequence. Several computational tools predict a significant impact on normal splicing: Two predict the variant abolishes a canonical 5' splicing donor site and two predict the variant weakens this site. Three predict the variant creates a cryptic 3' acceptor site. At least one publication reports experimental evidence that this variant affects mRNA splicing (Oji_2020). The variant allele was found at a frequency of 4e-06 in 251102 control chromosomes. c.1431G>A has been observed in heterozygous individuals affected with Parkinson's disease or with extrapyramidal signs in the same family (Oji_2020). This report does not provide unequivocal conclusions about association of the variant with Metachromatic Leukodystrophy. The following publication has been ascertained in the context of this evaluation (PMID: 32201884). ClinVar contains an entry for this variant (Variation ID: 1210322). Based on the evidence outlined above, the variant was classified as likely pathogenic.

OMIM
Classification: risk factor for PARKINSON DISEASE 24, AUTOSOMAL DOMINANT, SUSCEPTIBILITY TO. Last evaluated: 2021-08-26. Review status: no assertion criteria provided. Collection method: literature only. Allele origin: germline. Not counted in ClinVar's aggregate classification.

Literature cited by the submitters: PubMed 32201884 (cited by Women's Health and Genetics/Laboratory Corporation of America, LabCorp and OMIM).